The following is an entry in ClinVar:

NM_019032.6(ADAMTSL4):c.2294G>A (p.Arg765His)

Gene: ADAMTSL4 (ADAMTS like 4; plus strand). Cytogenetic location: 1q21.2.
Variant type: single nucleotide variant.
Coding change: c.2294G>A on transcript NM_019032.6 (MANE Select); coding-DNA position 2294, G replaced by A.
Protein change: p.Arg765His; replaces arginine 765 with histidine.
Molecular consequence: missense variant.
Genome position (GRCh38, 1-based): chr1:150,558,061, G>A. VCF-style: chr1-150558061-G-A. GRCh37 (hg19) VCF-style: chr1-150530537-G-A.
Other names: c.2177G>A, p.Arg726His (NM_001288607.2); c.2363G>A, p.Arg788His (NM_001288608.2); c.2294G>A, p.Arg765His (NM_001378596.1, NM_025008.5); short protein forms R726H, R765H, R788H.
Identifiers: ClinVar variation 1448416 (VCV001448416.4), dbSNP rs147697849, ClinGen allele CA1078615.

ClinVar aggregate classification (germline): Uncertain significance. Review status: criteria provided, multiple submitters, no conflicts (2 of 4 stars). 2 submissions from 2 submitters: Uncertain significance (2). Last evaluated 2024-08-22.

Allele frequency attached by ClinVar (database versions not stated): gnomAD exomes 0.00007 and 0.00018; gnomAD 0.00008; TOPMed 0.00008; ExAC 0.00015; ESP Exome Variant Server 0.00015; 1000 Genomes Project 30x 0.00016; 1000 Genomes Project 0.00020.
gnomAD v4.1: 109 of 1,613,044 alleles (0.0068%); highest among the groups gnomAD compares: Middle Eastern, 0.13%; no homozygotes.

Submissions (2):

Blueprint Genetics
Classification: Uncertain significance. Last evaluated: 2024-08-22. Review status: criteria provided, single submitter. Criteria: ACMG Guidelines, 2015. Collection method: clinical testing. Allele origin: germline.

Labcorp Genetics (formerly Invitae), Labcorp
Classification: Uncertain significance. Last evaluated: 2022-06-18. Review status: criteria provided, single submitter. Criteria: Invitae Variant Classification Sherloc (09022015). Collection method: clinical testing. Allele origin: germline.
Comment: This sequence change replaces arginine, which is basic and polar, with histidine, which is basic and polar, at codon 765 of the ADAMTSL4 protein (p.Arg765His). This variant is present in population databases (rs147697849, gnomAD 0.2%). This variant has not been reported in the literature in individuals affected with ADAMTSL4-related conditions. Algorithms developed to predict the effect of missense changes on protein structure and function (SIFT, PolyPhen-2, Align-GVGD) all suggest that this variant is likely to be disruptive. In summary, the available evidence is currently insufficient to determine the role of this variant in disease. Therefore, it has been classified as a Variant of Uncertain Significance.